The following is an entry in ClinVar:

ClinVar aggregate classification (germline): Uncertain significance. Review status: criteria provided, single submitter (1 of 4 stars). 2 submissions from 2 submitters: Uncertain significance (1). 1 of the submissions does not count toward it. Last evaluated 2022-03-11.

Conditions:
ADCY10-related disorder. Also called: ADCY10-related condition.

Allele frequency attached by ClinVar (database versions not stated): TOPMed 0.00003; gnomAD 0.00005; gnomAD exomes 0.00007; 1000 Genomes Project 30x 0.00016; ExAC 0.00017; 1000 Genomes Project 0.00020.

Submissions (2):

Labcorp Genetics (formerly Invitae), Labcorp
Classification: Uncertain significance. Last evaluated: 2022-03-11. Review status: criteria provided, single submitter. Criteria: Invitae Variant Classification Sherloc (09022015). Collection method: clinical testing. Allele origin: germline.
Comment: In summary, the available evidence is currently insufficient to determine the role of this variant in disease. Therefore, it has been classified as a Variant of Uncertain Significance. Algorithms developed to predict the effect of missense changes on protein structure and function output the following: SIFT: "Tolerated"; PolyPhen-2: "Benign"; Align-GVGD: "Class C0". The isoleucine amino acid residue is found in multiple mammalian species, which suggests that this missense change does not adversely affect protein function. This variant has not been reported in the literature in individuals affected with ADCY10-related conditions. This variant is present in population databases (rs576058947, gnomAD 0.1%), and has an allele count higher than expected for a pathogenic variant. This sequence change replaces valine, which is neutral and non-polar, with isoleucine, which is neutral and non-polar, at codon 751 of the ADCY10 protein (p.Val751Ile).

PreventionGenetics, part of Exact Sciences
Classification: Likely benign for ADCY10-related condition. Last evaluated: 2022-03-07. Review status: no assertion criteria provided. Collection method: clinical testing. Allele origin: germline. Not counted in ClinVar's aggregate classification.
Comment: This variant is classified as likely benign based on ACMG/AMP sequence variant interpretation guidelines (Richards et al. 2015 PMID: 25741868, with internal and published modifications).

NM_018417.6(ADCY10):c.2251G>A (p.Val751Ile)

Gene: ADCY10 (adenylate cyclase 10; minus strand). Cytogenetic location: 1q24.2.
Variant type: single nucleotide variant.
Coding change: c.2251G>A on transcript NM_018417.6 (MANE Select); coding-DNA position 2251, G replaced by A.
Protein change: p.Val751Ile; replaces valine 751 with isoleucine.
Molecular consequence: missense variant.
Genome position (GRCh38, 1-based): chr1:167,854,410, C>T on the plus strand (G>A on the coding strand, the complement: ADCY10 is on the minus strand). VCF-style: chr1-167854410-C-T. GRCh37 (hg19) VCF-style: chr1-167823648-C-T.
Other names: c.1792G>A, p.Val598Ile (NM_001167749.3); c.1975G>A, p.Val659Ile (NM_001297772.2); short protein forms V659I, V751I, V598I.
Identifiers: ClinVar variation 2168716 (VCV002168716.6), dbSNP rs576058947, ClinGen allele CA1227696.
Genomic context (GRCh38, chr1:167,854,410, plus strand): 5'-TACTGAACAGGTTATTCCAGGTCCTATTTGTCTTTTCCTCAGACTCCGTTTGTTGGAAAA[C>T]GAGTACCTCATGATGTTCCAGGTTTTTAAGCAATTCTTCACAGTAAAATGGAATCCCACA-3'
Protein context (NP_060887.2, residues 741-761): LKNLEHHEVL[Val751Ile]FQQTESEEKT